The following is an entry in ClinVar:

NM_004456.5(EZH2):c.1363A>C (p.Asn455His)

Gene: EZH2 (enhancer of zeste 2 polycomb repressive complex 2 subunit; minus strand). Cytogenetic location: 7q36.1.
Variant type: single nucleotide variant.
Coding change: c.1363A>C on transcript NM_004456.5 (MANE Select); coding-DNA position 1363, A replaced by C.
Protein change: p.Asn455His; replaces asparagine 455 with histidine.
Molecular consequence: missense variant.
Genome position (GRCh38, 1-based): chr7:148,817,269, T>G on the plus strand (A>C on the coding strand, the complement: EZH2 is on the minus strand). VCF-style: chr7-148817269-T-G. GRCh37 (hg19) VCF-style: chr7-148514361-T-G.
Other names: c.1348A>C, p.Asn450His (NM_001203247.2); c.1321A>C, p.Asn441His (NM_001203248.2, NM_001203249.2); c.1231A>C, p.Asn411His (NM_152998.3); short protein forms N455H, N411H, N450H, N441H.
Identifiers: ClinVar variation 5007177 (VCV005007177.2).

ClinVar aggregate classification (germline): Uncertain significance (1 of 4 stars; one submission).

Conditions:
Weaver syndrome (WVS). Also called: Weaver Smith syndrome; Overgrowth syndrome with accelerated skeletal maturation, unusual facies, and camptodactyly. Identifiers: Orphanet 3447, MedGen C0265210, MONDO:0010193, OMIM 277590.

Submission:

Juno Genomics, Hangzhou Juno Genomics, Inc
Classification: Uncertain significance for Weaver syndrome. Review status: criteria provided, single submitter. Criteria: ACMG Guidelines, 2015. Collection method: clinical testing. Allele origin: germline.
Comment: Absent from controls (or at extremely low frequency if recessive) in Genome Aggregation Database.;Missense variant in a gene that has a low rate of benign missense variation.;Multiple lines of computational evidence support a deleterious effect on the gene or gene product.